The following is an entry in ClinVar:

ClinVar aggregate classification (germline): Uncertain significance (1 of 4 stars; one submission).

Allele frequency attached by ClinVar (database versions not stated): ExAC 0.00003; gnomAD exomes 0.00005; gnomAD 0.00006; TOPMed 0.00006.
gnomAD v4.1: 85 of 1,613,672 alleles (0.0053%); highest among the groups gnomAD compares: Middle Eastern, 0.016%; no homozygotes.

Submission:

Labcorp Genetics (formerly Invitae), Labcorp
Classification: Uncertain significance. Last evaluated: 2022-05-19. Review status: criteria provided, single submitter. Criteria: Invitae Variant Classification Sherloc (09022015). Collection method: clinical testing. Allele origin: germline.
Comment: This sequence change replaces threonine, which is neutral and polar, with methionine, which is neutral and non-polar, at codon 1240 of the NUP160 protein (p.Thr1240Met). In summary, the available evidence is currently insufficient to determine the role of this variant in disease. Therefore, it has been classified as a Variant of Uncertain Significance. Algorithms developed to predict the effect of missense changes on protein structure and function output the following: SIFT: "Not Available"; PolyPhen-2: "Benign"; Align-GVGD: "Not Available". The methionine amino acid residue is found in multiple mammalian species, which suggests that this missense change does not adversely affect protein function. This variant has not been reported in the literature in individuals affected with NUP160-related conditions. This variant is present in population databases (rs535059681, gnomAD 0.008%).

NM_015231.3(NUP160):c.3617C>T (p.Thr1206Met)

Gene: NUP160 (nucleoporin 160; minus strand). Cytogenetic location: 11p11.2.
Variant type: single nucleotide variant.
Coding change: c.3617C>T on transcript NM_015231.3 (MANE Select); coding-DNA position 3617, C replaced by T.
Protein change: p.Thr1206Met; replaces threonine 1206 with methionine.
Molecular consequence: missense variant. On other transcripts: non-coding transcript variant (1).
Genome position (GRCh38, 1-based): chr11:47,788,209, G>A on the plus strand (C>T on the coding strand, the complement: NUP160 is on the minus strand). VCF-style: chr11-47788209-G-A. GRCh37 (hg19) VCF-style: chr11-47809761-G-A.
Other names: short protein forms T1206M.
Identifiers: ClinVar variation 1908585 (VCV001908585.4), dbSNP rs535059681, ClinGen allele CA5980611.